The following is an entry in ClinVar:

ClinVar aggregate classification (germline): Uncertain significance (1 of 4 stars; one submission).

Conditions:
Hereditary spastic paraplegia 7 (SPG7). Also called: SPG7-related neurologic disorder; Spastic paraplegia 7; Hereditary spastic paraplegia Paraplegin type; Autosomal recessive spastic paraplegia type 7; SPASTIC PARAPLEGIA 7, AUTOSOMAL RECESSIVE, WITH OR WITHOUT CEREBELLAR ATAXIA. Identifiers: Orphanet 99013, MedGen C1846564, MONDO:0011803, OMIM 607259.

Submission:

Labcorp Genetics (formerly Invitae), Labcorp
Classification: Uncertain significance for Hereditary spastic paraplegia 7. Last evaluated: 2023-08-27. Review status: criteria provided, single submitter. Criteria: Invitae Variant Classification Sherloc (09022015). Collection method: clinical testing. Allele origin: germline.
Comment: This variant is not present in population databases (gnomAD no frequency). This variant has not been reported in the literature in individuals affected with SPG7-related conditions. Advanced modeling of protein sequence and biophysical properties (such as structural, functional, and spatial information, amino acid conservation, physicochemical variation, residue mobility, and thermodynamic stability) performed at Invitae indicates that this missense variant is not expected to disrupt SPG7 protein function. In summary, the available evidence is currently insufficient to determine the role of this variant in disease. Therefore, it has been classified as a Variant of Uncertain Significance. This sequence change replaces serine, which is neutral and polar, with arginine, which is basic and polar, at codon 30 of the SPG7 protein (p.Ser30Arg).

NM_003119.4(SPG7):c.90T>G (p.Ser30Arg)

Genes: SPG7 (SPG7 matrix AAA peptidase subunit, paraplegin; plus strand), LOC130059818 (ATAC-STARR-seq lymphoblastoid silent region 7911; plus strand). Cytogenetic location: 16q24.3.
Variant type: single nucleotide variant.
Coding change: c.90T>G on transcript NM_003119.4 (MANE Select); coding-DNA position 90, T replaced by G.
Protein change: p.Ser30Arg; replaces serine 30 with arginine.
Molecular consequence: missense variant.
Genome position (GRCh38, 1-based): chr16:89,508,507, T>G. VCF-style: chr16-89508507-T-G. GRCh37 (hg19) VCF-style: chr16-89574915-T-G.
Other names: c.90T>G, p.Ser30Arg (NM_001363850.1, NM_199367.3); short protein forms S30R.
Identifiers: ClinVar variation 2785475 (VCV002785475.3), dbSNP rs2543661779, ClinGen allele CA397415967.